The following is an entry in ClinVar:

NM_024753.5(TTC21B):c.152-1G>A

Gene: TTC21B (tetratricopeptide repeat domain 21B; minus strand). Cytogenetic location: 2q24.3.
Variant type: single nucleotide variant.
Coding change: c.152-1G>A on transcript NM_024753.5 (MANE Select); the canonical splice acceptor site of the intron before coding-DNA position 152, G replaced by A.
Molecular consequence: splice acceptor variant.
Genome position (GRCh38, 1-based): chr2:165,949,505, C>T on the plus strand (G>A on the coding strand, the complement: TTC21B is on the minus strand). VCF-style: chr2-165949505-C-T. GRCh37 (hg19) VCF-style: chr2-166806015-C-T.
Identifiers: ClinVar variation 1466544 (VCV001466544.8), dbSNP rs371396651, ClinGen allele CA1942532.
Genomic context (GRCh38, chr2:165,949,505, plus strand): 5'-GTGATACATCTTGTTTATTTTTAATAGCCTCAAATTCTCGAAGAGCTTCTTGAGTTTTAC[C>T]TGAAAATCAAGATTATGATATGAAAAACTGTTCTTAGTGCAAAGCAAGAATTTAAAACTG-3'

ClinVar aggregate classification (germline): Likely pathogenic (1 of 4 stars; one submission).

Conditions:
Jeune thoracic dystrophy. Also called: Jeune syndrome; Infantile thoracic dystrophy; Thoracic pelvic phalangeal dystrophy; Jeune's syndrome; Chondroectodermal dysplasia-like syndrome; Short-rib thoracic dysplasia. Identifiers: Orphanet 474, MedGen C0265275, MONDO:0018770.
Nephronophthisis. Also called: Juvenile Nephronophthisis. Identifiers: Orphanet 655, MedGen C0687120, MONDO:0019005, HP:0000090.

Allele frequency attached by ClinVar (database versions not stated): ExAC 0.00001; gnomAD exomes 0.00001; TOPMed 0.00001; ESP Exome Variant Server 0.00008.
gnomAD v4.1: 5 of 1,613,158 alleles (0.00031%); highest among the groups gnomAD compares: Non-Finnish European, 0.00042%; no homozygotes.

Submission:

Labcorp Genetics (formerly Invitae), Labcorp
Classification: Likely pathogenic for Jeune thoracic dystrophy; Nephronophthisis. Last evaluated: 2021-06-05. Review status: criteria provided, single submitter. Criteria: Invitae Variant Classification Sherloc (09022015). Collection method: clinical testing. Allele origin: germline.
Comment: This variant is present in population databases (rs371396651, ExAC 0.002%). This variant has not been reported in the literature in individuals with TTC21B-related conditions. Algorithms developed to predict the effect of sequence changes on RNA splicing suggest that this variant may disrupt the consensus splice site, but this prediction has not been confirmed by published transcriptional studies. In summary, the currently available evidence indicates that the variant is pathogenic, but additional data are needed to prove that conclusively. Therefore, this variant has been classified as Likely Pathogenic. This sequence change affects an acceptor splice site in intron 2 of the TTC21B gene. It is expected to disrupt RNA splicing. Variants that disrupt the donor or acceptor splice site typically lead to a loss of protein function (PMID: 16199547), and loss-of-function variants in TTC21B are known to be pathogenic (PMID: 18327258, 21068128, 21258341, 23559409, 24876116, 25492405, 27491411, 29068549).

Literature cited by the submitters: PubMed 16199547; PubMed 18327258; PubMed 21068128; PubMed 21258341; PubMed 23559409; PubMed 24876116; PubMed 25492405; PubMed 27491411; PubMed 29068549.